The following is an entry in ClinVar:

NM_001267550.2(TTN):c.77227G>T (p.Glu25743Ter)

Genes: TTN-AS1 (TTN antisense RNA 1; plus strand), TTN (titin; minus strand). Cytogenetic location: 2q31.2.
Variant type: single nucleotide variant.
Coding change: c.77227G>T on transcript NM_001267550.2 (MANE Select); coding-DNA position 77227, G replaced by T.
Protein change: p.Glu25743Ter; replaces glutamic acid 25743 with a stop codon.
Molecular consequence: nonsense.
Genome position (GRCh38, 1-based): chr2:178,568,905, C>A on the plus strand (G>T on the coding strand, the complement: TTN is on the minus strand). VCF-style: chr2-178568905-C-A. GRCh37 (hg19) VCF-style: chr2-179433632-C-A.
Other names: c.72304G>T, p.Glu24102Ter (NM_001256850.1); c.50032G>T, p.Glu16678Ter (NM_003319.4); c.69523G>T, p.Glu23175Ter (NM_133378.4); c.50407G>T, p.Glu16803Ter (NM_133432.3); c.50608G>T, p.Glu16870Ter (NM_133437.4); short protein forms E16678*, E25743*, E16803*, E24102*, E23175*, E16870*.
Identifiers: ClinVar variation 519056 (VCV000519056.15), dbSNP rs765997807, ClinGen allele CA349611790.

ClinVar aggregate classification (germline): Likely pathogenic. Review status: criteria provided, multiple submitters, no conflicts (2 of 4 stars). 2 submissions from 2 submitters: Likely pathogenic (2). Last evaluated 2019-08-19.

Conditions:
Dilated cardiomyopathy 1G (CMD1G). Identifiers: Orphanet 154, MedGen C1858763, MONDO:0011400, OMIM 604145.
Autosomal recessive limb-girdle muscular dystrophy type 2J (LGMDR10). Also called: Limb-girdle muscular dystrophy, type 2J; MUSCULAR DYSTROPHY, LIMB-GIRDLE, AUTOSOMAL RECESSIVE 10. Identifiers: Orphanet 140922, MedGen C1837342, MONDO:0012127, OMIM 608807.
Cardiovascular phenotype. Identifiers: MedGen CN230736.

gnomAD v4.1: 1 of 1,613,290 alleles (0.000062%); highest among the groups gnomAD compares: Non-Finnish European, 0.000085%; no homozygotes.

Submissions (2):

Labcorp Genetics (formerly Invitae), Labcorp
Classification: Likely pathogenic for Dilated cardiomyopathy 1G; Autosomal recessive limb-girdle muscular dystrophy type 2J. Last evaluated: 2019-08-19. Review status: criteria provided, single submitter. Criteria: Invitae Variant Classification Sherloc (09022015). Collection method: clinical testing. Allele origin: germline.
Comment: In summary, the currently available evidence indicates that the variant is pathogenic, but additional data are needed to prove that conclusively. Therefore, this variant has been classified as Likely Pathogenic. This variant is located in the A band of TTN (PMID: 25589632). Truncating variants in this region are significantly overrepresented in patients affected with dilated cardiomyopathy (PMID: 25589632). Truncating variants in this region have also been reported in individuals affected with autosomal recessive centronuclear myopathy (PMID: 23975875). This variant has been observed in an individual affected with dilated cardiomyopathy (PMID: 27886618). ClinVar contains an entry for this variant (Variation ID: 519056). This variant is not present in population databases (ExAC no frequency). This sequence change results in a premature translational stop signal in the TTN gene (p.Glu25743*). While this is not anticipated to result in nonsense mediated decay, it is expected to create a truncated TTN protein.

Ambry Genetics
Classification: Likely pathogenic for Cardiovascular phenotype. Last evaluated: 2018-08-13. Review status: criteria provided, single submitter. Criteria: Ambry Variant Classification Scheme 2023. Collection method: clinical testing. Allele origin: germline.
Comment: The p.E16678* variant (also known as c.50032G>T), located in coding exon 153 of the TTN gene, results from a G to T substitution at nucleotide position 50032. This changes the amino acid from a glutamic acid to a stop codon within coding exon 153. This exon is located in the A-band region of the N2-B isoform of the titin protein and is constitutively expressed in TTN transcripts (percent spliced in or PSI 100%). This alteration has been reported in a dilated cardiomyopathy (DCM) cohort; however, clinical details were limited (Dalin MG et al. Int. J. Cardiol., 2017 Feb;228:742-748). While truncating variants in TTN are present in 1-3% of the general population, truncating variants in the A-band are the most common cause of DCM (Herman DS et al. N. Engl. J. Med. 2012 Feb;366:619-28; Roberts AM et al. Sci Transl Med. 2015 Jan;7:270ra6). TTN truncating variants encoded in constitutive exons (PSI >90%) have been found to be significantly associated with DCM regardless of their position in titin (Schafer S et al. Nat. Genet. 2017 Jan;49:46-53). This alteration is expected to result in loss of function by premature protein truncation or nonsense-mediated mRNA decay. As such, this alteration is classified as likely pathogenic.

Literature cited by the submitters: PubMed 25589632 (cited by Labcorp Genetics (formerly Invitae), Labcorp); PubMed 23975875 (cited by Labcorp Genetics (formerly Invitae), Labcorp); PubMed 27886618 (cited by Labcorp Genetics (formerly Invitae), Labcorp and Ambry Genetics).